The following is an entry in ClinVar:

NM_000202.8(IDS):c.626del (p.Leu209fs)

Genes: IDS (iduronate 2-sulfatase; minus strand), LOC106050102 (IDS recombination region; plus strand). Cytogenetic location: Xq28.
Variant type: Deletion.
Coding change: c.626del on transcript NM_000202.8 (MANE Select); coding-DNA position 626, one base deleted (T; older notation c.626delT).
Protein change: p.Leu209fs; shifts the reading frame from leucine 209.
Molecular consequence: frameshift variant. On other transcripts: non-coding transcript variant (1).
Genome position (GRCh38, 1-based): chrX:149,498,189, A deleted on the plus strand (T on the coding strand, the reverse complement: IDS is on the minus strand); the first of 2 consecutive A bases (chrX:149,498,189-149,498,190); deleting either gives the same sequence. VCF-style (leftmost placement, unchanged base first): chrX-149498188-CA-C. GRCh37 (hg19) VCF-style: chrX-148579719-CA-C.
Other names: c.356del, p.Leu119fs (NM_001166550.4); c.626del, p.Leu209fs (NM_006123.5); short protein forms L119fs, L209fs.
Identifiers: ClinVar variation 3255782 (VCV003255782.2).

ClinVar aggregate classification (germline): Pathogenic (1 of 4 stars; one submission).

Conditions:
Mucopolysaccharidosis, MPS-II (MPS2). Also called: Hunter Syndrome; IDURONATE 2-SULFATASE DEFICIENCY; Mucopolysaccharidosis Type II; Mucopolysaccharidosis type 2; Attenuated MPS (subtype; formerly known as mild MPS II); Severe MPS II. Identifiers: Orphanet 580, Orphanet 79388, MedGen C0026705, MONDO:0010674, OMIM 309900.

Submission:

Laboratory of Diagnosis and Therapy of Lysosomal Disorders, University of Padova
Classification: Pathogenic for Mucopolysaccharidosis, MPS-II. Last evaluated: 2024-06-07. Review status: criteria provided, single submitter. Criteria: ACMG Guidelines, 2015. Collection method: literature only. Allele origin: germline. Affected: yes. Observed: 1 variant allele.
Comment: Null variant (PVS1_VeryStrong), Absent from controls (or at low frequency) in gnomAD database (PM2_Moderate), Patient’s phenotype or family history highly specific for the disease (PP4_Strong)

Classification method: ACMG Guidelines [PMID:25741868] with modifications

Literature cited by the submitters: PubMed 28077157.